The following is an entry in ClinVar:

NM_002361.4(MAG):c.694G>A (p.Ala232Thr)

Gene: MAG (myelin associated glycoprotein; plus strand). Cytogenetic location: 19q13.12.
Variant type: single nucleotide variant.
Coding change: c.694G>A on transcript NM_002361.4 (MANE Select); coding-DNA position 694, G replaced by A.
Protein change: p.Ala232Thr; replaces alanine 232 with threonine.
Molecular consequence: missense variant.
Genome position (GRCh38, 1-based): chr19:35,299,832, G>A. VCF-style: chr19-35299832-G-A. GRCh37 (hg19) VCF-style: chr19-35790735-G-A.
Other names: c.619G>A, p.Ala207Thr (NM_001199216.2); c.694G>A, p.Ala232Thr (NM_080600.3); short protein forms A207T, A232T.
Identifiers: ClinVar variation 2420942 (VCV002420942.6), dbSNP rs2513582522, ClinGen allele CA405309794.

ClinVar aggregate classification (germline): Uncertain significance (1 of 4 stars; one submission).

Conditions:
Hereditary spastic paraplegia 75. Also called: Spastic paraplegia 75, autosomal recessive. Identifiers: Orphanet 459056, MedGen C4225250, MONDO:0014729, OMIM 616680.

Allele frequency attached by ClinVar (database versions not stated): gnomAD exomes below 0.00001.

Submission:

Labcorp Genetics (formerly Invitae), Labcorp
Classification: Uncertain significance for Hereditary spastic paraplegia 75. Last evaluated: 2022-08-16. Review status: criteria provided, single submitter. Criteria: Invitae Variant Classification Sherloc (09022015). Collection method: clinical testing. Allele origin: germline.
Comment: This variant is not present in population databases (gnomAD no frequency). In summary, the available evidence is currently insufficient to determine the role of this variant in disease. Therefore, it has been classified as a Variant of Uncertain Significance. Algorithms developed to predict the effect of missense changes on protein structure and function (SIFT, PolyPhen-2, Align-GVGD) all suggest that this variant is likely to be tolerated. This variant has not been reported in the literature in individuals affected with MAG-related conditions. This sequence change replaces alanine, which is neutral and non-polar, with threonine, which is neutral and polar, at codon 232 of the MAG protein (p.Ala232Thr).